The following is an entry in ClinVar:

NM_001609.4(ACADSB):c.621G>A (p.Trp207Ter)

Gene: ACADSB (acyl-CoA dehydrogenase short/branched chain; plus strand). Cytogenetic location: 10q26.13.
Variant type: single nucleotide variant.
Coding change: c.621G>A on transcript NM_001609.4 (MANE Select); coding-DNA position 621, G replaced by A.
Protein change: p.Trp207Ter; replaces tryptophan 207 with a stop codon.
Molecular consequence: nonsense.
Genome position (GRCh38, 1-based): chr10:123,041,319, G>A. VCF-style: chr10-123041319-G-A. GRCh37 (hg19) VCF-style: chr10-124800835-G-A.
Other names: c.315G>A, p.Trp105Ter (NM_001330174.3); short protein forms W207*, W105*.
Identifiers: ClinVar variation 299075 (VCV000299075.19), dbSNP rs374420253, ClinGen allele CA5730753.
Genomic context (GRCh38, chr10:123,041,319, plus strand): 5'-TTTGAAGACCAGAGCTGATAAAGAGGGAGATTATTATGTCCTCAATGGATCAAAGATGTG[G>A]ATCAGCAGTGCTGAGCACGCAGGGCTCTTTCTGGTGATGGCAAATGTAGACCCTACCATT-3'

ClinVar aggregate classification (germline): Pathogenic/Likely pathogenic. Review status: criteria provided, multiple submitters, no conflicts (2 of 4 stars). 7 submissions from 7 submitters: Pathogenic (4); Likely pathogenic (2). 1 of the submissions does not count toward it. Last evaluated 2025-08-18.

Conditions:
ACADSB-related disorder. Also called: ACADSB-related condition.
Deficiency of 2-methylbutyryl-CoA dehydrogenase (ACADSB). Also called: 2-methylbutyryl-CoA dehydrogenase deficiency; SBCAD deficiency; 2-methylbutyric aciduria; Short branched-chain acyl-CoA dehydrogenase deficiency; 2-methylbutyrylglycinuria. Identifiers: Orphanet 79157, MedGen C1864912, MONDO:0012392, OMIM 610006, HP:0020147.

Allele frequency attached by ClinVar (database versions not stated): ExAC 0.00005; gnomAD exomes 0.00006; gnomAD 0.00007 and 0.00008; ESP Exome Variant Server 0.00008; TOPMed 0.00015.
gnomAD v4.1: 61 of 1,614,094 alleles (0.0038%); highest among the groups gnomAD compares: Admixed American, 0.03%; no homozygotes.

Submissions (7):

Labcorp Genetics (formerly Invitae), Labcorp
Classification: Pathogenic for Deficiency of 2-methylbutyryl-CoA dehydrogenase. Last evaluated: 2025-08-18. Review status: criteria provided, single submitter. Criteria: Invitae Variant Classification Sherloc (09022015). Collection method: clinical testing. Allele origin: germline.
Comment: This sequence change creates a premature translational stop signal (p.Trp207*) in the ACADSB gene. It is expected to result in an absent or disrupted protein product. Loss-of-function variants in ACADSB are known to be pathogenic (PMID: 20547083, 26284228). This variant is present in population databases (rs374420253, gnomAD 0.01%). This premature translational stop signal has been observed in individual(s) with clinical features of ACADSB-related disorders (PMID: 26284228). ClinVar contains an entry for this variant (Variation ID: 299075). For these reasons, this variant has been classified as Pathogenic.

Rady Children's Institute for Genomic Medicine, Rady Children's Hospital San Diego
Classification: Pathogenic for 2-methylbutyryl-CoA dehydrogenase deficiency. Last evaluated: 2024-11-06. Review status: criteria provided, single submitter. Criteria: ACMG Guidelines, 2015. Collection method: clinical testing. Allele origin: germline. Affected: yes.
Comment: This nonsense variant found in exon 5 of 11 is predicted to result in loss of normal protein function through either protein truncation or nonsense-mediated mRNA decay. Loss-of function variation in ACADSB is an established mechanism of disease (PMID: 20547083). This variant has been previously reported in the literature (PMID: 26284228, 20547083). The c.621G>A (p.Trp207Ter) variant is present in the latest version of the gnomAD population database at an allele frequency of 0.004% (61/1614094), and is absent in the homozygous state, thus is presumed to be rare. Based on the available evidence, c.621G>A (p.Trp207Ter) is classified as Pathogenic.

Fulgent Genetics
Classification: Pathogenic for Deficiency of 2-methylbutyryl-CoA dehydrogenase. Last evaluated: 2024-05-16. Review status: criteria provided, single submitter. Criteria: ACMG Guidelines, 2015. Collection method: clinical testing. Allele origin: germline.

Women's Health and Genetics/Laboratory Corporation of America, LabCorp
Classification: Pathogenic for Deficiency of 2-methylbutyryl-CoA dehydrogenase. Last evaluated: 2024-04-22. Review status: criteria provided, single submitter. Criteria: LabCorp Variant Classification Summary - May 2015. Collection method: clinical testing. Allele origin: germline.
Comment: Variant summary: ACADSB c.621G>A (p.Trp207X) results in a premature termination codon, predicted to cause a truncation of the encoded protein or absence of the protein due to nonsense mediated decay, which are commonly known mechanisms for disease. The variant allele was found at a frequency of 6.4e-05 in 251454 control chromosomes. This frequency is not significantly higher than estimated for a pathogenic variant in ACADSB causing Deficiency of 2-methylbutyryl-CoA Dehydrogenase (6.4e-05 vs 0.0011), allowing no conclusion about variant significance. c.621G>A has been reported in the literature in individuals affected with Deficiency of 2-methylbutyryl-CoA Dehydrogenase (examples: Alfardan_2010, Valencia_2015). The following publications have been ascertained in the context of this evaluation (PMID: 20547083, 26284228). ClinVar contains an entry for this variant (Variation ID: 299075). Based on the evidence outlined above, the variant was classified as pathogenic.

GeneDx
Classification: Likely pathogenic. Last evaluated: 2023-12-13. Review status: criteria provided, single submitter. Criteria: GeneDx Variant Classification Process June 2021. Collection method: clinical testing. Allele origin: germline. Affected: yes.
Comment: Nonsense variant predicted to result in protein truncation or nonsense mediated decay in a gene for which loss-of-function is a known mechanism of disease; This variant is associated with the following publications: (PMID: 25525159, 21228398, 30730842, 31980526, 20547083, 26284228)

Blueprint Genetics
Classification: Likely pathogenic for ACADSB-related disorders. Last evaluated: 2023-09-29. Review status: criteria provided, single submitter. Criteria: ACMG Guidelines, 2015. Collection method: clinical testing. Allele origin: germline. Affected: yes. Observed: 3 variant alleles.

OMIM
Classification: Pathogenic for 2-METHYLBUTYRYL-CoA DEHYDROGENASE DEFICIENCY. Last evaluated: 2020-06-10. Review status: no assertion criteria provided. Collection method: literature only. Allele origin: germline. Not counted in ClinVar's aggregate classification.

Literature cited by the submitters: PubMed 20547083 (cited by 4 submitters); PubMed 26284228 (cited by 3 submitters).